The following is an entry in ClinVar:

NM_004006.3(DMD):c.6785del (p.Leu2262fs)

Gene: DMD (dystrophin; minus strand). Cytogenetic location: Xp21.1.
Variant type: Deletion.
Coding change: c.6785del on transcript NM_004006.3 (MANE Select); coding-DNA position 6785, one base deleted (T; older notation c.6785delT).
Protein change: p.Leu2262fs; shifts the reading frame from leucine 2262.
Molecular consequence: frameshift variant. On other transcripts: 5 prime UTR variant (5).
Genome position (GRCh38, 1-based): chrX:31,929,723, A deleted on the plus strand (T on the coding strand, the reverse complement: DMD is on the minus strand). VCF-style (leftmost placement, unchanged base first): chrX-31929722-CA-C. GRCh37 (hg19) VCF-style: chrX-31947839-CA-C.
Other names: c.6761del, p.Leu2254fs (NM_000109.4); c.6773del, p.Leu2258fs (NM_004009.3); c.6416del, p.Leu2139fs (NM_004010.3); c.2762del, p.Leu921fs (NM_004011.4); c.2753del, p.Leu918fs (NM_004012.4); c.-596del (NM_004013.3, NM_004020.4, NM_004021.3 and 2 more transcripts); short protein forms L2139fs, L2254fs, L2258fs, L2262fs, L918fs, L921fs.
Identifiers: ClinVar variation 1709907 (VCV001709907.2), dbSNP rs2533419663, ClinGen allele CA2580100607.

ClinVar aggregate classification (germline): Likely pathogenic (1 of 4 stars; one submission).

Conditions:
Duchenne muscular dystrophy (DMD). Also called: MUSCULAR DYSTROPHY, PSEUDOHYPERTROPHIC PROGRESSIVE, DUCHENNE TYPE; Duchenne Muscular Dystrophy (DMD). Identifiers: Orphanet 98896, MedGen C0013264, MONDO:0010679, OMIM 310200.

Submission:

MGZ Medical Genetics Center
Classification: Likely pathogenic for Duchenne muscular dystrophy. Last evaluated: 2021-09-06. Review status: criteria provided, single submitter. Criteria: ACMG Guidelines, 2015. Collection method: clinical testing. Allele origin: germline. Affected: yes. Observed: 1 variant allele.
Comment: ACMG criteria applied: PVS1, PM2_SUP